The following is an entry in ClinVar:

NM_005908.4(MANBA):c.2630A>G (p.Asp877Gly)

Gene: MANBA (mannosidase beta; minus strand). Cytogenetic location: 4q24.
Variant type: single nucleotide variant.
Coding change: c.2630A>G on transcript NM_005908.4 (MANE Select); coding-DNA position 2630, A replaced by G.
Protein change: p.Asp877Gly; replaces aspartic acid 877 with glycine.
Molecular consequence: missense variant.
Genome position (GRCh38, 1-based): chr4:102,632,067, T>C on the plus strand (A>G on the coding strand, the complement: MANBA is on the minus strand). VCF-style: chr4-102632067-T-C. GRCh37 (hg19) VCF-style: chr4-103553224-T-C.
Other names: short protein forms D877G.
Identifiers: ClinVar variation 1484301 (VCV001484301.8), dbSNP rs752396515, ClinGen allele CA3026583.

ClinVar aggregate classification (germline): Uncertain significance (1 of 4 stars; one submission).

Conditions:
Beta-D-mannosidosis (MANSB). Also called: Beta-Mannosidosis; MANNOSIDOSIS, BETA A, LYSOSOMAL; BETA-MANNOSIDASE DEFICIENCY; LYSOSOMAL BETA-MANNOSIDASE DEFICIENCY. Identifiers: Orphanet 118, MedGen C4048196, MONDO:0009562, OMIM 248510.

Allele frequency attached by ClinVar (database versions not stated): ExAC 0.00001.

Submission:

Labcorp Genetics (formerly Invitae), Labcorp
Classification: Uncertain significance for Beta-D-mannosidosis. Last evaluated: 2020-11-14. Review status: criteria provided, single submitter. Criteria: Invitae Variant Classification Sherloc (09022015). Collection method: clinical testing. Allele origin: germline.
Comment: In summary, the available evidence is currently insufficient to determine the role of this variant in disease. Therefore, it has been classified as a Variant of Uncertain Significance. Algorithms developed to predict the effect of sequence changes on RNA splicing suggest that this variant may create or strengthen a splice site, but this prediction has not been confirmed by published transcriptional studies. Algorithms developed to predict the effect of missense changes on protein structure and function are either unavailable or do not agree on the potential impact of this missense change (SIFT: "Deleterious"; PolyPhen-2: "Possibly Damaging"; Align-GVGD: "Class C0"). This variant has not been reported in the literature in individuals with MANBA-related conditions. The frequency data for this variant in the population databases is considered unreliable, as metrics indicate poor data quality at this position in the ExAC database. This sequence change replaces aspartic acid with glycine at codon 877 of the MANBA protein (p.Asp877Gly). The aspartic acid residue is highly conserved and there is a moderate physicochemical difference between aspartic acid and glycine.